The following is an entry in ClinVar:

NM_000218.3(KCNQ1):c.581C>T (p.Ala194Val)

Gene: KCNQ1 (potassium voltage-gated channel subfamily Q member 1; plus strand). Cytogenetic location: 11p15.5.
Variant type: single nucleotide variant.
Coding change: c.581C>T on transcript NM_000218.3 (MANE Select); coding-DNA position 581, C replaced by T.
Protein change: p.Ala194Val; replaces alanine 194 with valine.
Molecular consequence: missense variant.
Genome position (GRCh38, 1-based): chr11:2,570,731, C>T. VCF-style: chr11-2570731-C-T. GRCh37 (hg19) VCF-style: chr11-2591961-C-T.
Other names: c.581C>T, p.Ala194Val (NM_001406836.1); c.311C>T, p.Ala104Val (NM_001406837.1); c.200C>T, p.Ala67Val (NM_181798.2); short protein forms A194V, A67V, A104V.
Identifiers: ClinVar variation 1404542 (VCV001404542.11), dbSNP rs2133727494, ClinGen allele CA379130023.

ClinVar aggregate classification (germline): Uncertain significance. Review status: criteria provided, multiple submitters, no conflicts (2 of 4 stars). 3 submissions from 3 submitters: Uncertain significance (3). Last evaluated 2025-11-24.

Conditions:
Cardiovascular phenotype. Identifiers: MedGen CN230736.
Long QT syndrome (LQTS). Identifiers: MedGen C0023976, MeSH D008133, MONDO:0002442. Disease mechanism: loss of function. Inheritance: Various modes of inheritance.

Submissions (3):

Ambry Genetics
Classification: Uncertain significance for Cardiovascular phenotype. Last evaluated: 2025-11-24. Review status: criteria provided, single submitter. Criteria: Ambry Variant Classification Scheme 2023. Collection method: clinical testing. Allele origin: germline.
Comment: The p.A194V variant (also known as c.581C>T), located in coding exon 3 of the KCNQ1 gene, results from a C to T substitution at nucleotide position 581. The alanine at codon 194 is replaced by valine, an amino acid with similar properties. This amino acid position is well conserved in available vertebrate species. In addition, this alteration is predicted to be deleterious by in silico analysis. Since supporting evidence is limited at this time, the clinical significance of this alteration remains unclear.

All of Us Research Program, National Institutes of Health
Classification: Uncertain significance for Long QT syndrome. Last evaluated: 2024-03-24. Review status: criteria provided, single submitter. Criteria: ACMG Guidelines, 2015. Collection method: clinical testing. Allele origin: germline. Inheritance: Autosomal dominant inheritance. Observed: 1 variant allele, 1 heterozygote.
Comment: This missense variant replaces alanine with valine at codon 194 of the KCNQ1 protein. Computational prediction is inconclusive regarding the impact of this variant on protein structure and function (internally defined REVEL score threshold 0.5 < inconclusive < 0.7, PMID: 27666373). To our knowledge, functional studies have not been reported for this variant. This variant has not been reported in individuals affected with KCNQ1-related disorders in the literature. This variant has not been identified in the general population by the Genome Aggregation Database (gnomAD). The available evidence is insufficient to determine the role of this variant in disease conclusively. Therefore, this variant is classified as a Variant of Uncertain Significance.

This study involves interpretation of variants in research participants for the purpose of population health screening. Participant phenotype was not available at the time of variant classification. Additional details can be found in publication PMID: 35346344, PMCID: PMC8962531

Labcorp Genetics (formerly Invitae), Labcorp
Classification: Uncertain significance for Long QT syndrome. Last evaluated: 2021-08-07. Review status: criteria provided, single submitter. Criteria: Invitae Variant Classification Sherloc (09022015). Collection method: clinical testing. Allele origin: germline.
Comment: This variant is not present in population databases (ExAC no frequency). This sequence change replaces alanine with valine at codon 194 of the KCNQ1 protein (p.Ala194Val). The alanine residue is highly conserved and there is a small physicochemical difference between alanine and valine. This variant has not been reported in the literature in individuals affected with KCNQ1-related conditions. Algorithms developed to predict the effect of missense changes on protein structure and function are either unavailable or do not agree on the potential impact of this missense change (SIFT: "Deleterious"; PolyPhen-2: "Benign"; Align-GVGD: "Class C55"). In summary, the available evidence is currently insufficient to determine the role of this variant in disease. Therefore, it has been classified as a Variant of Uncertain Significance.